The following is an entry in ClinVar:

ClinVar aggregate classification (germline): Uncertain significance (1 of 4 stars; one submission).

Conditions:
Inborn genetic diseases. Identifiers: MedGen C0950123, MeSH D030342.

Submission:

Ambry Genetics
Classification: Uncertain significance for Inborn genetic diseases. Last evaluated: 2026-03-10. Review status: criteria provided, single submitter. Criteria: Ambry Variant Classification Scheme 2023. Collection method: clinical testing. Allele origin: germline.
Comment: The p.P272H variant (also known as c.815C>A), located in coding exon 5 of the ETV6 gene, results from a C to A substitution at nucleotide position 815. The proline at codon 272 is replaced by histidine, an amino acid with similar properties. This amino acid position is conserved. In addition, this alteration is predicted to be tolerated by in silico analysis. Based on the available evidence, the clinical significance of this variant remains unclear.

NM_001987.5(ETV6):c.815C>A (p.Pro272His)

Gene: ETV6 (ETS variant transcription factor 6; plus strand). Cytogenetic location: 12p13.2.
Variant type: single nucleotide variant.
Coding change: c.815C>A on transcript NM_001987.5 (MANE Select); coding-DNA position 815, C replaced by A.
Protein change: p.Pro272His; replaces proline 272 with histidine.
Molecular consequence: missense variant.
Genome position (GRCh38, 1-based): chr12:11,869,775, C>A. VCF-style: chr12-11869775-C-A. GRCh37 (hg19) VCF-style: chr12-12022709-C-A.
Other names: c.812C>A, p.Pro271His (NM_001413913.1); c.788C>A, p.Pro263His (NM_001413914.1); c.551C>A, p.Pro184His (NM_001413915.1); c.815C>A, p.Pro272His (NM_001413916.1, NM_001413917.1); short protein forms P272H, P271H, P184H, P263H.
Identifiers: ClinVar variation 4826555 (VCV004826555.1).
Genomic context (GRCh38, chr12:11,869,775, plus strand): 5'-ACCCGAAGCCATCCAGCCCCCGGCAGGAGAGCACACGCGTGATCCAGCTGATGCCCAGCC[C>A]CATCATGCACCCTCTGATCCTGAACCCCCGGCACTCCGTGGATTTCAAACAGTCCAGGCT-3'
Protein context (NP_001978.1, residues 262-282): STRVIQLMPS[Pro272His]IMHPLILNPR